The following is an entry in ClinVar:

ClinVar aggregate classification (germline): Pathogenic (1 of 4 stars; one submission).

Conditions:
Neurofibromatosis, type 1 (NF1). Also called: VON RECKLINGHAUSEN DISEASE; NEUROFIBROMATOSIS, TYPE I, SOMATIC; Peripheral type neurofibromatosis; Neurofibromatosis, type I. Identifiers: Orphanet 636, MedGen C0027831, MONDO:0018975, OMIM 162200. Disease mechanism: loss of function.

Allele frequency attached by ClinVar (database versions not stated): gnomAD exomes below 0.00001.

Submission:

Labcorp Genetics (formerly Invitae), Labcorp
Classification: Pathogenic for Neurofibromatosis, type 1. Last evaluated: 2025-07-30. Review status: criteria provided, single submitter. Criteria: Invitae Variant Classification Sherloc (09022015). Collection method: clinical testing. Allele origin: germline.
Comment: This sequence change affects an acceptor splice site in intron 31 of the NF1 gene. RNA analysis indicates that disruption of this splice site induces altered splicing and likely results in the loss of 3 amino acid residue(s), but is expected to preserve the integrity of the reading-frame. The frequency data for this variant in the population databases is considered unreliable, as metrics indicate poor data quality at this position in the gnomAD database. Disruption of this splice site has been observed in individuals with clinical features of neurofibromatosis type 1 (PMID: 18800150, 23913538). ClinVar contains an entry for this variant (Variation ID: 457692). Studies have shown that disruption of this splice site results in the activation of a cryptic splice site in exon 32 (PMID: 23913538). This variant disrupts a region of the NF1 protein in which other variant(s) (p.Leu1425Pro) have been determined to be pathogenic (PMID: 10607834, 10712197, 31730495). This suggests that this is a clinically significant region of the protein, and that variants that disrupt it are likely to be disease-causing. For these reasons, this variant has been classified as Pathogenic.

Literature cited by the submitters: PubMed 18800150; PubMed 23913538; PubMed 10607834; PubMed 10712197; PubMed 31730495.

NM_001042492.3(NF1):c.4333-1G>A

Gene: NF1 (neurofibromin 1; plus strand). Cytogenetic location: 17q11.2.
Variant type: single nucleotide variant.
Coding change: c.4333-1G>A on transcript NM_001042492.3 (MANE Select); the canonical splice acceptor site of the intron before coding-DNA position 4333, G replaced by A.
Molecular consequence: splice acceptor variant.
Genome position (GRCh38, 1-based): chr17:31,259,031, G>A. VCF-style: chr17-31259031-G-A. GRCh37 (hg19) VCF-style: chr17-29586049-G-A.
Other names: c.4270-1G>A (NM_000267.4).
Identifiers: ClinVar variation 457692 (VCV000457692.5), dbSNP rs1418965797, ClinGen allele CA398998669.